The following is an entry in ClinVar:

NM_004304.5(ALK):c.3232T>C (p.Tyr1078His)

Gene: ALK (ALK receptor tyrosine kinase; minus strand). Cytogenetic location: 2p23.2.
Variant type: single nucleotide variant.
Coding change: c.3232T>C on transcript NM_004304.5 (MANE Select); coding-DNA position 3232, T replaced by C.
Protein change: p.Tyr1078His; replaces tyrosine 1078 with histidine.
Molecular consequence: missense variant.
Genome position (GRCh38, 1-based): chr2:29,223,469, A>G on the plus strand (T>C on the coding strand, the complement: ALK is on the minus strand). VCF-style: chr2-29223469-A-G. GRCh37 (hg19) VCF-style: chr2-29446335-A-G.
Other names: c.3232T>C (NM_004304.4); c.28T>C, p.Tyr10His (NM_001353765.2); short protein forms Y10H, Y1078H.
Identifiers: ClinVar variation 3676686 (VCV003676686.3).
Genomic context (GRCh38, chr2:29,223,469, plus strand): 5'-AGCAGTAGTTGGGGTTGTAGTCGGTCATGATGGTCGAGGTGCGGAGCTTGCTCAGCTTGT[A>G]CTCAGGGCTCTGCAGCTCCATCTGCATGGCTTGCAGCTCCTGGTGCTTCCGGCGGTACAC-3'
Protein context (NP_004295.2, residues 1068-1088): AMQMELQSPE[Tyr1078His]KLSKLRTSTI

ClinVar aggregate classification (germline): Uncertain significance. Review status: criteria provided, multiple submitters, no conflicts (2 of 4 stars). 2 submissions from 2 submitters: Uncertain significance (2). Last evaluated 2024-12-31.

Conditions:
Neuroblastoma, susceptibility to, 3. Also called: ALK-Related Neuroblastic Tumor Susceptibility. Identifiers: Orphanet 635, MedGen C2751681, MONDO:0013083, OMIM 613014.
Hereditary cancer-predisposing syndrome. Also called: Hereditary Cancer Syndrome; Tumor predisposition; Hereditary neoplastic syndrome; Neoplastic Syndromes, Hereditary. Identifiers: Orphanet 140162, MedGen C0027672, MeSH D009386, MONDO:0015356.

Submissions (2):

Ambry Genetics
Classification: Uncertain significance for Hereditary cancer-predisposing syndrome. Last evaluated: 2024-12-31. Review status: criteria provided, single submitter. Criteria: Ambry Variant Classification Scheme 2023. Collection method: clinical testing. Allele origin: germline.
Comment: The p.Y1078H variant (also known as c.3232T>C), located in coding exon 20 of the ALK gene, results from a T to C substitution at nucleotide position 3232. The tyrosine at codon 1078 is replaced by histidine, an amino acid with similar properties. This amino acid position is conserved. In addition, the in silico prediction for this alteration is inconclusive. Based on the available evidence, the clinical significance of this variant remains unclear.

Labcorp Genetics (formerly Invitae), Labcorp
Classification: Uncertain significance for Neuroblastoma, susceptibility to, 3. Last evaluated: 2024-07-24. Review status: criteria provided, single submitter. Criteria: Invitae Variant Classification Sherloc (09022015). Collection method: clinical testing. Allele origin: germline.
Comment: This sequence change replaces tyrosine, which is neutral and polar, with histidine, which is basic and polar, at codon 1078 of the ALK protein (p.Tyr1078His). This variant is not present in population databases (gnomAD no frequency). This variant has not been reported in the literature in individuals affected with ALK-related conditions. An algorithm developed to predict the effect of missense changes on protein structure and function (PolyPhen-2) suggests that this variant is likely to be disruptive. In summary, the available evidence is currently insufficient to determine the role of this variant in disease. Therefore, it has been classified as a Variant of Uncertain Significance.